The following is an entry in ClinVar:

ClinVar aggregate classification (germline): Conflicting classifications of pathogenicity. Review status: criteria provided, conflicting classifications (1 of 4 stars). 7 submissions from 7 submitters: Uncertain significance (5); Likely benign (2). Last evaluated 2026-08-17.

Conditions:
TTN-related disorder. Also called: TTN-related condition; TTN-related disease; TTN-related disorders.
Dilated cardiomyopathy 1G (CMD1G). Identifiers: Orphanet 154, MedGen C1858763, MONDO:0011400, OMIM 604145.
Autosomal recessive limb-girdle muscular dystrophy type 2J (LGMDR10). Also called: Limb-girdle muscular dystrophy, type 2J; MUSCULAR DYSTROPHY, LIMB-GIRDLE, AUTOSOMAL RECESSIVE 10. Identifiers: Orphanet 140922, MedGen C1837342, MONDO:0012127, OMIM 608807.

Allele frequency attached by ClinVar (database versions not stated): gnomAD exomes 0.00004; TOPMed 0.00004; ExAC 0.00006; gnomAD 0.00006; ESP Exome Variant Server 0.00033.

Submissions (7):

PreventionGenetics, part of Exact Sciences
Classification: Uncertain significance for TTN-related condition. Last evaluated: 2026-08-17. Review status: criteria provided, single submitter. Criteria: ACMG Guidelines, 2015. Collection method: clinical testing. Allele origin: germline.
Comment: The TTN c.44978G>A variant is predicted to result in the amino acid substitution p.Gly14993Glu. To our knowledge, this variant has not been reported in the literature. This variant is reported in 0.0089% of alleles in individuals of European (Non-Finnish) descent in gnomAD. Although we suspect that this variant may be benign, at this time, the clinical significance of this variant is uncertain due to the absence of conclusive functional and genetic evidence.

Women's Health and Genetics/Laboratory Corporation of America, LabCorp
Classification: Uncertain significance. Last evaluated: 2023-07-22. Review status: criteria provided, single submitter. Criteria: LabCorp Variant Classification Summary - May 2015. Collection method: clinical testing. Allele origin: germline.

Blueprint Genetics
Classification: Likely benign. Last evaluated: 2022-08-29. Review status: criteria provided, single submitter. Criteria: ACMG Guidelines, 2015. Collection method: clinical testing. Allele origin: germline.

Revvity Omics, Revvity
Classification: Uncertain significance. Last evaluated: 2019-08-21. Review status: criteria provided, single submitter. Criteria: ACMG Guidelines, 2015. Collection method: clinical testing. Allele origin: germline.

Labcorp Genetics (formerly Invitae), Labcorp
Classification: Uncertain significance for Dilated cardiomyopathy 1G; Autosomal recessive limb-girdle muscular dystrophy type 2J. Last evaluated: 2017-07-10. Review status: criteria provided, single submitter. Criteria: Invitae Variant Classification Sherloc (09022015). Collection method: clinical testing. Allele origin: germline.

GeneDx
Classification: Uncertain significance. Last evaluated: 2015-05-29. Review status: criteria provided, single submitter. Criteria: GeneDx Variant Classification (06012015). Collection method: clinical testing. Allele origin: germline. Affected: yes.
Comment: Missense variants in the TTN gene are considered 'unclassified' if they are not previously reported in the literature and do not have >1% frequency in the population to be considered a polymorphism. Research indicates that truncating mutations in the TTN gene are expected to account for approximately 25% of familial and 18% of sporadic idiopathic DCM; however, truncating variants in the TTN gene have been reported in approximately 3% of reported control alleles. There has been little investigation into non-truncating variants. (Herman D et al. Truncations of titin causing dilated cardiomyopathy. N Eng J Med 366:619-628, 2012) The variant is found in CARDIOMYOPATHY panel(s).

Biesecker Lab/Clinical Genomics Section, National Institutes of Health
Classification: Likely benign. Last evaluated: 2013-06-24. Review status: criteria provided, single submitter. Criteria: Ng et al. (Circ Cardiovasc Genet. 2013). Collection method: research. Allele origin: unknown. Observed: 2 variant alleles. Study: ClinSeq.
Comment: The study set was not selected for affection status in relation to any cancer. Pathogenicity categories were based on literature curation. See Pubmed ID:23861362 for details.

Medical sequencing

NM_001267550.2(TTN):c.44978G>A (p.Gly14993Glu)

Genes: TTN (titin; minus strand), LOC126806427 (BRD4-independent group 4 enhancer GRCh37_chr2:179485777-179486976; plus strand). Cytogenetic location: 2q31.2.
Variant type: single nucleotide variant.
Coding change: c.44978G>A on transcript NM_001267550.2 (MANE Select); coding-DNA position 44978, G replaced by A.
Protein change: p.Gly14993Glu; replaces glycine 14993 with glutamic acid.
Molecular consequence: missense variant.
Genome position (GRCh38, 1-based): chr2:178,621,944, C>T on the plus strand (G>A on the coding strand, the complement: TTN is on the minus strand). VCF-style: chr2-178621944-C-T. GRCh37 (hg19) VCF-style: chr2-179486671-C-T.
Other names: p.G13352E:GGA>GAA; c.40055G>A, p.Gly13352Glu (NM_001256850.1); c.17783G>A, p.Gly5928Glu (NM_003319.4); c.37274G>A, p.Gly12425Glu (NM_133378.4); c.18158G>A, p.Gly6053Glu (NM_133432.3); c.18359G>A, p.Gly6120Glu (NM_133437.4); short protein forms G12425E, G14993E, G13352E, G6053E, G6120E, G5928E.
Identifiers: ClinVar variation 192166 (VCV000192166.10), dbSNP rs200931793, ClinGen allele CA302630.
Genomic context (GRCh38, chr2:178,621,944, plus strand): 5'-CAGGAATATTCAGCTTCATCATCCAGTAGACATTTGTTGATGACAAGAATGCGCACTGCT[C>T]CCTTGGATATGATGTCATATTTTTTGCCCTTTTTAATTTCAGCACCATCTTTAAACCACT-3'
Protein context (NP_001254479.2, residues 14983-15003): KGKKYDIISK[Gly14993Glu]AVRILVINKC